The following is an entry in ClinVar:

NM_015175.3(NBEAL2):c.3252C>T (p.Asp1084=)

Gene: NBEAL2 (neurobeachin like 2; plus strand). Cytogenetic location: 3p21.31.
Variant type: single nucleotide variant.
Coding change: c.3252C>T on transcript NM_015175.3 (MANE Select); coding-DNA position 3252, C replaced by T.
Protein change: p.Asp1084=; no amino-acid change (aspartic acid 1084 retained).
Molecular consequence: synonymous variant.
Genome position (GRCh38, 1-based): chr3:46,998,747, C>T. VCF-style: chr3-46998747-C-T. GRCh37 (hg19) VCF-style: chr3-47040237-C-T.
Other names: p.Asp1084=; c.3150C>T, p.Asp1050= (NM_001365116.2).
Identifiers: ClinVar variation 760877 (VCV000760877.6), dbSNP rs369409195, ClinGen allele CA2360893.

ClinVar aggregate classification (germline): Likely benign. Review status: criteria provided, multiple submitters, no conflicts (2 of 4 stars). 4 submissions from 4 submitters: Likely benign (4). Last evaluated 2025-07-31.

Conditions:
NBEAL2-related disorder. Also called: NBEAL2-related condition.

Allele frequency attached by ClinVar (database versions not stated): gnomAD exomes 0.00005 and 0.00006; ESP Exome Variant Server 0.00008; TOPMed 0.00011; ExAC 0.00012; gnomAD 0.00012; 1000 Genomes Project 0.00020; 1000 Genomes Project 30x 0.00031.

Submissions (4):

Mayo Clinic Laboratories, Mayo Clinic
Classification: Likely benign. Last evaluated: 2025-07-31. Review status: criteria provided, single submitter. Criteria: ACMG Guidelines, 2015. Collection method: clinical testing. Allele origin: germline. Observed: 1 variant allele.
Comment: BP4, BP7

PreventionGenetics, part of Exact Sciences
Classification: Likely benign for NBEAL2-related condition. Last evaluated: 2025-04-28. Review status: criteria provided, single submitter. Criteria: ACMG Guidelines, 2015. Collection method: clinical testing. Allele origin: germline.
Comment: This variant is classified as likely benign based on ACMG/AMP sequence variant interpretation guidelines (Richards et al. 2015 PMID: 25741868, with internal and published modifications).

Blueprint Genetics
Classification: Likely benign. Last evaluated: 2024-08-19. Review status: criteria provided, single submitter. Criteria: ACMG Guidelines, 2015. Collection method: clinical testing. Allele origin: germline.

Labcorp Genetics (formerly Invitae), Labcorp
Classification: Likely benign. Last evaluated: 2018-07-13. Review status: criteria provided, single submitter. Criteria: Invitae Variant Classification Sherloc (09022015). Collection method: clinical testing. Allele origin: germline.